The following is an entry in ClinVar:

NM_000095.3(COMP):c.1445A>T (p.Asp482Val)

Gene: COMP (cartilage oligomeric matrix protein; minus strand). Cytogenetic location: 19p13.11.
Variant type: single nucleotide variant.
Coding change: c.1445A>T on transcript NM_000095.3 (MANE Select); coding-DNA position 1445, A replaced by T.
Protein change: p.Asp482Val; replaces aspartic acid 482 with valine.
Molecular consequence: missense variant.
Genome position (GRCh38, 1-based): chr19:18,786,009, T>A on the plus strand (A>T on the coding strand, the complement: COMP is on the minus strand). VCF-style: chr19-18786009-T-A. GRCh37 (hg19) VCF-style: chr19-18896819-T-A.
Other names: short protein forms D482V.
Identifiers: ClinVar variation 818215 (VCV000818215.4), dbSNP rs2055164276, ClinGen allele CA404884323.

ClinVar aggregate classification (germline): Likely pathogenic (1 of 4 stars; one submission).

Conditions:
Pseudoachondroplastic spondyloepiphyseal dysplasia syndrome (PSACH). Also called: PSEUDOACHONDROPLASTIC DYSPLASIA; Pseudoachondroplasia; COMP-Related Pseudoachondroplasia. Identifiers: Orphanet 750, MedGen C0410538, MONDO:0008322, OMIM 177170.

Submission:

Kasturba Medical College, Manipal, Kasturba Medical College, Manipal, Manipal Academy of Higher Education, Manipal, India
Classification: Likely pathogenic for Pseudoachondroplastic spondyloepiphyseal dysplasia syndrome. Last evaluated: 2020-02-03. Review status: criteria provided, single submitter. Criteria: ACMG Guidelines, 2015. Collection method: clinical testing. Allele origin: de novo. Affected: yes. Observed: 1 variant allele.
Comment: The variant is considered to be likely pathogenic as it qualifies following criteria of ACMG: PM2,PM5,PP2,PP3 and PP4

Literature cited by the submitters: PubMed 12768438.